The following is an entry in ClinVar:

NM_001080.3(ALDH5A1):c.*1883C>T

Gene: ALDH5A1 (aldehyde dehydrogenase 5 family member A1; plus strand). Cytogenetic location: 6p22.3.
Variant type: single nucleotide variant.
Coding change: c.*1883C>T on transcript NM_001080.3 (MANE Select); 1883 bases downstream of the stop codon, C replaced by T.
Molecular consequence: 3 prime UTR variant.
Genome position (GRCh38, 1-based): chr6:24,535,595, C>T. VCF-style: chr6-24535595-C-T. GRCh37 (hg19) VCF-style: chr6-24535823-C-T.
Other names: c.*1883C>T (NM_001368954.1, NM_170740.1).
Identifiers: ClinVar variation 356176 (VCV000356176.6), dbSNP rs139473699, ClinGen allele CA10623540.
Genomic context (GRCh38, chr6:24,535,595, plus strand): 5'-TGGGCACAGTGGCTCACGCCTGTAATCCCAACACCTTGGGAGGCCAAGGCAGGCAGATCA[C>T]GACATCAGGAGATCGAGACCATCCTGGCTAACACGGTGAAACCCCGTCTCTACTAAAAAT-3'

ClinVar aggregate classification (germline): Likely benign. Review status: criteria provided, multiple submitters, no conflicts (2 of 4 stars). 2 submissions from 2 submitters: Likely benign (2). Last evaluated 2018-01-12.

Conditions:
Succinate-semialdehyde dehydrogenase deficiency (SSADHD). Also called: Succinic Semialdehyde Dehydrogenase Deficiency; 4-HYDROXYBUTYRIC ACIDURIA; GABA METABOLIC DEFECT; SSADH DEFICIENCY. Identifiers: Orphanet 22, MedGen C0268631, MONDO:0010083, OMIM 271980.

Allele frequency attached by ClinVar (database versions not stated): gnomAD 0.00302 and 0.00318; 1000 Genomes Project 0.00339; 1000 Genomes Project 30x 0.00344; TOPMed 0.00376.

Submissions (2):

Illumina Laboratory Services, Illumina
Classification: Likely benign for Succinate-semialdehyde dehydrogenase deficiency. Last evaluated: 2018-01-12. Review status: criteria provided, single submitter. Criteria: ICSL Variant Classification Criteria 13 December 2019. Collection method: clinical testing. Allele origin: germline.
Comment: This variant was observed in the ICSL laboratory as part of a predisposition screen in an ostensibly healthy population. It had not been previously curated by ICSL or reported in the Human Gene Mutation Database (HGMD: prior to June 1st, 2018), and was therefore a candidate for classification through an automated scoring system. Utilizing variant allele frequency, disease prevalence and penetrance estimates, and inheritance mode, an automated score was calculated to assess if this variant is too frequent to cause the disease. Based on the score and internal cut-off values, a variant classified as likely benign is not then subjected to further curation. The score for this variant resulted in a classification of likely benign for this disease.

Breakthrough Genomics
Classification: Likely benign. Review status: criteria provided, single submitter. Criteria: ACMG Guidelines, 2015. Collection method: not provided. Allele origin: germline. Inheritance: Autosomal recessive inheritance. Affected: yes.